The following is an entry in ClinVar:

NM_005732.4(RAD50):c.3476-10_3480del

Genes: TH2-LCR (Th2 cytokine locus control region; plus strand), RAD50 (RAD50 double strand break repair protein; plus strand), TH2LCRR (T helper type 2 locus control region associated RNA; minus strand). Cytogenetic location: 5q31.1.
Variant type: Deletion.
Coding change: c.3476-10_3480del on transcript NM_005732.4 (MANE Select); 10 bases into the intron before coding-DNA position 3476 through coding-DNA position 3480, 15 bases deleted (CCTGTGTCAGATATT).
Molecular consequence: splice acceptor variant. On other transcripts: non-coding transcript variant (2).
Genome position (GRCh38, 1-based): chr5:132,638,071-132,638,085, CCTGTGTCAGATATT deleted; deleting any 15 consecutive bases within chr5:132,638,069-132,638,085 gives the same sequence; the c. name uses the placement nearest the transcript's 3' end. VCF-style (leftmost placement, unchanged base first): chr5-132638068-CTTCCTGTGTCAGATA-C. GRCh37 (hg19) VCF-style: chr5-131973760-CTTCCTGTGTCAGATA-C.
Other names: c.3476-10_3480del15 (NM_005732.3).
Identifiers: ClinVar variation 142981 (VCV000142981.3), dbSNP rs587782866, ClinGen allele CA169938.

ClinVar aggregate classification (germline): Likely pathogenic (1 of 4 stars; one submission).

Conditions:
Hereditary cancer-predisposing syndrome. Also called: Hereditary Cancer Syndrome; Neoplastic Syndromes, Hereditary; Hereditary neoplastic syndrome; Tumor predisposition. Identifiers: Orphanet 140162, MedGen C0027672, MeSH D009386, MONDO:0015356.

Submission:

Ambry Genetics
Classification: Likely pathogenic for Hereditary cancer-predisposing syndrome. Last evaluated: 2014-05-06. Review status: criteria provided, single submitter. Criteria: Ambry Autosomal Dominant and X-Linked criteria (10/2015). Collection method: clinical testing. Allele origin: germline. Observed: 1 variant allele.
Comment: Thec.3476-10_3480del15variant results from a deletion of 15 nucleotides spanning intron 22 into coding exon 23 frompositions c.3476-10 to c.3480of theRAD50 gene.This variant was not reported in population-based cohorts in the following databases: Database of Single Nucleotide Polymorphisms (dbSNP), NHLBI Exome Sequencing Project (ESP) and 1000 Genomes Project.To date, this alteration has been detected with an allele frequency of approximately 0.006% (greater than 15000 alleles tested) in our clinical cohort (includes this individual).Based on nucleotide sequence alignment, the region encompassing the canonical splice acceptor site is highly conserved in available vertebrate species. Using the BDGP and ESEfinder splice site prediction tools, this alteration ispredicted to alter the native splice acceptor site efficiency; however, direct evidence is unavailable. Alterations that disrupt the canonical splice acceptor site are typically deleterious in nature (ACMG Recommendations for Standards for Interpretation and Reporting of Sequence Variations. Revision 2007. Genet Med. 2008;10:294). As such, thec.3476-10_3480del15variant is classified as likely pathogenic.